The following is an entry in ClinVar:

ClinVar aggregate classification (germline): Uncertain significance (1 of 4 stars; one submission).

Conditions:
Imerslund-Grasbeck syndrome. Also called: Imerslund-Gräsbeck syndrome; ENTEROCYTE COBALAMIN MALABSORPTION; ENTEROCYTE INTRINSIC FACTOR RECEPTOR, DEFECT OF; Megaloblastic anemia due to inborn errors of metabolism; PERNICIOUS ANEMIA, JUVENILE, DUE TO SELECTIVE INTESTINAL MALABSORPTION OF VITAMIN B12, WITH PROTEINURIA. Identifiers: Orphanet 35858, MedGen C4551825, MONDO:0009853.

Allele frequency attached by ClinVar (database versions not stated): ExAC 0.00002; gnomAD 0.00001; gnomAD exomes 0.00001.

Submission:

Labcorp Genetics (formerly Invitae), Labcorp
Classification: Uncertain significance for Imerslund-Grasbeck syndrome. Last evaluated: 2021-09-01. Review status: criteria provided, single submitter. Criteria: Invitae Variant Classification Sherloc (09022015). Collection method: clinical testing. Allele origin: germline.
Comment: This sequence change replaces valine with isoleucine at codon 1824 of the CUBN protein (p.Val1824Ile). The valine residue is weakly conserved and there is a small physicochemical difference between valine and isoleucine. This variant is present in population databases (rs776108051, ExAC 0.02%). This variant has not been reported in the literature in individuals affected with CUBN-related conditions. Algorithms developed to predict the effect of missense changes on protein structure and function output the following: SIFT: "Tolerated"; PolyPhen-2: "Benign"; Align-GVGD: "Class C0". The isoleucine amino acid residue is found in multiple mammalian species, which suggests that this missense change does not adversely affect protein function. In summary, the available evidence is currently insufficient to determine the role of this variant in disease. Therefore, it has been classified as a Variant of Uncertain Significance.

NM_001081.4(CUBN):c.5470G>A (p.Val1824Ile)

Gene: CUBN (cubilin; minus strand). Cytogenetic location: 10p13.
Variant type: single nucleotide variant.
Coding change: c.5470G>A on transcript NM_001081.4 (MANE Select); coding-DNA position 5470, G replaced by A.
Protein change: p.Val1824Ile; replaces valine 1824 with isoleucine.
Molecular consequence: missense variant.
Genome position (GRCh38, 1-based): chr10:16,940,110, C>T on the plus strand (G>A on the coding strand, the complement: CUBN is on the minus strand). VCF-style: chr10-16940110-C-T. GRCh37 (hg19) VCF-style: chr10-16982109-C-T.
Other names: short protein forms V1824I.
Identifiers: ClinVar variation 644792 (VCV000644792.6), dbSNP rs776108051, ClinGen allele CA5423998.